The following is an entry in ClinVar:

ClinVar aggregate classification (germline): Likely benign. Review status: criteria provided, multiple submitters, no conflicts (2 of 4 stars). 2 submissions from 2 submitters: Likely benign (2). Last evaluated 2025-11-28.

Allele frequency attached by ClinVar (database versions not stated): gnomAD 0.00001; TOPMed 0.00001.
gnomAD v4.1: 11 of 1,613,992 alleles (0.00068%); highest among the groups gnomAD compares: Admixed American, 0.017%; no homozygotes.

Submissions (2):

Labcorp Genetics (formerly Invitae), Labcorp
Classification: Likely benign. Last evaluated: 2025-11-28. Review status: criteria provided, single submitter. Criteria: Invitae Variant Classification Sherloc (09022015). Collection method: clinical testing. Allele origin: germline.

GeneDx
Classification: Likely benign. Last evaluated: 2017-07-24. Review status: criteria provided, single submitter. Criteria: GeneDx Variant Classification (06012015). Collection method: clinical testing. Allele origin: germline. Affected: yes.
Comment: This variant is considered likely benign or benign based on one or more of the following criteria: it is a conservative change, it occurs at a poorly conserved position in the protein, it is predicted to be benign by multiple in silico algorithms, and/or has population frequency not consistent with disease.

NM_004551.3(NDUFS3):c.654G>T (p.Arg218=)

Gene: NDUFS3 (NADH:ubiquinone oxidoreductase core subunit S3; plus strand). Cytogenetic location: 11p11.2.
Variant type: single nucleotide variant.
Coding change: c.654G>T on transcript NM_004551.3 (MANE Select); coding-DNA position 654, G replaced by T.
Protein change: p.Arg218=; no amino-acid change (arginine 218 retained).
Molecular consequence: synonymous variant.
Genome position (GRCh38, 1-based): chr11:47,584,340, G>T. VCF-style: chr11-47584340-G-T. GRCh37 (hg19) VCF-style: chr11-47605892-G-T.
Identifiers: ClinVar variation 510748 (VCV000510748.8), dbSNP rs757870758, ClinGen allele CA474220907.